The following is an entry in ClinVar:

ClinVar aggregate classification (germline): Uncertain significance (1 of 4 stars; one submission).

Conditions:
Inborn genetic diseases. Identifiers: MedGen C0950123, MeSH D030342.

Submission:

Ambry Genetics
Classification: Uncertain significance for Inborn genetic diseases. Last evaluated: 2024-06-26. Review status: criteria provided, single submitter. Criteria: Ambry Variant Classification Scheme 2023. Collection method: clinical testing. Allele origin: germline.
Comment: The p.T524I variant (also known as c.1571C>T), located in coding exon 14 of the LRRK2 gene, results from a C to T substitution at nucleotide position 1571. The threonine at codon 524 is replaced by isoleucine, an amino acid with similar properties. This amino acid position is conserved. In addition, this alteration is predicted to be tolerated by in silico analysis. Based on the available evidence, the clinical significance of this variant remains unclear.

NM_198578.4(LRRK2):c.1571C>T (p.Thr524Ile)

Gene: LRRK2 (leucine rich repeat kinase 2; plus strand). Cytogenetic location: 12q12.
Variant type: single nucleotide variant.
Coding change: c.1571C>T on transcript NM_198578.4 (MANE Select); coding-DNA position 1571, C replaced by T.
Protein change: p.Thr524Ile; replaces threonine 524 with isoleucine.
Molecular consequence: missense variant.
Genome position (GRCh38, 1-based): chr12:40,263,816, C>T. VCF-style: chr12-40263816-C-T. GRCh37 (hg19) VCF-style: chr12-40657618-C-T.
Other names: short protein forms T524I.
Identifiers: ClinVar variation 3540555 (VCV003540555.1).